The following is an entry in ClinVar:

NM_005245.4(FAT1):c.2897T>C (p.Leu966Pro)

Gene: FAT1 (FAT atypical cadherin 1; minus strand). Cytogenetic location: 4q35.2.
Variant type: single nucleotide variant.
Coding change: c.2897T>C on transcript NM_005245.4 (MANE Select); coding-DNA position 2897, T replaced by C.
Protein change: p.Leu966Pro; replaces leucine 966 with proline.
Molecular consequence: missense variant.
Genome position (GRCh38, 1-based): chr4:186,706,931, A>G on the plus strand (T>C on the coding strand, the complement: FAT1 is on the minus strand). VCF-style: chr4-186706931-A-G. GRCh37 (hg19) VCF-style: chr4-187628085-A-G.
Other names: c.2897T>C, p.Leu966Pro (NM_001440455.1, NM_001440456.1, NM_001440457.1); short protein forms L966P.
Identifiers: ClinVar variation 4984762 (VCV004984762.1).

ClinVar aggregate classification (germline): Uncertain significance (1 of 4 stars; one submission).

Conditions:
FAT1-related disorder. Also called: FAT1-related condition.

Submission:

PreventionGenetics, part of Exact Sciences
Classification: Uncertain significance for FAT1-related condition. Last evaluated: 2025-02-24. Review status: criteria provided, single submitter. Criteria: ACMG Guidelines, 2015. Collection method: clinical testing. Allele origin: germline.
Comment: The FAT1 c.2897T>C variant is predicted to result in the amino acid substitution p.Leu966Pro. To our knowledge, this variant has not been reported in the literature or in gnomAD, indicating this variant is rare. At this time, the clinical significance of this variant is uncertain due to the absence of conclusive functional and genetic evidence.